The following is an entry in ClinVar:

NM_001101362.3(KBTBD13):c.133G>A (p.Ala45Thr)

Gene: KBTBD13 (kelch repeat and BTB domain containing 13; plus strand). Cytogenetic location: 15q22.31.
Variant type: single nucleotide variant.
Coding change: c.133G>A on transcript NM_001101362.3 (MANE Select); coding-DNA position 133, G replaced by A.
Protein change: p.Ala45Thr; replaces alanine 45 with threonine.
Molecular consequence: missense variant.
Genome position (GRCh38, 1-based): chr15:65,076,948, G>A. VCF-style: chr15-65076948-G-A. GRCh37 (hg19) VCF-style: chr15-65369286-G-A.
Other names: short protein forms A45T.
Identifiers: ClinVar variation 3067479 (VCV003067479.22), dbSNP rs750168932, ClinGen allele CA7613879.

ClinVar aggregate classification (germline): Uncertain significance. Review status: criteria provided, multiple submitters, no conflicts (2 of 4 stars). 3 submissions from 3 submitters: Uncertain significance (3). Last evaluated 2025-12-15.

Conditions:
Inborn genetic diseases. Identifiers: MedGen C0950123, MeSH D030342.
Nemaline myopathy 6 (NEM6). Also called: Nemaline myopathy 6, autosomal dominant. Identifiers: Orphanet 171439, MedGen C1836472, MONDO:0012237, OMIM 609273.

Allele frequency attached by ClinVar (database versions not stated): gnomAD 0.00002; TOPMed 0.00003; ExAC 0.00005.

Submissions (3):

Labcorp Genetics (formerly Invitae), Labcorp
Classification: Uncertain significance for Nemaline myopathy 6. Last evaluated: 2025-12-15. Review status: criteria provided, single submitter. Criteria: Invitae Variant Classification Sherloc (09022015). Collection method: clinical testing. Allele origin: germline.
Comment: This sequence change replaces alanine, which is neutral and non-polar, with threonine, which is neutral and polar, at codon 45 of the KBTBD13 protein (p.Ala45Thr). The frequency data for this variant in the population databases is considered unreliable, as metrics indicate poor data quality at this position in the gnomAD database. This variant has not been reported in the literature in individuals affected with KBTBD13-related conditions. ClinVar contains an entry for this variant (Variation ID: 3067479). Invitae Evidence Modeling of protein sequence and biophysical properties (such as structural, functional, and spatial information, amino acid conservation, physicochemical variation, residue mobility, and thermodynamic stability) indicates that this missense variant is not expected to disrupt KBTBD13 protein function with a negative predictive value of 80%. In summary, the available evidence is currently insufficient to determine the role of this variant in disease. Therefore, it has been classified as a Variant of Uncertain Significance.

Ambry Genetics
Classification: Uncertain significance for Inborn genetic diseases. Last evaluated: 2025-04-29. Review status: criteria provided, single submitter. Criteria: Ambry Variant Classification Scheme 2023. Collection method: clinical testing. Allele origin: germline.

CeGaT Center for Human Genetics Tuebingen
Classification: Uncertain significance. Last evaluated: 2024-03-01. Review status: criteria provided, single submitter. Criteria: CeGaT Center For Human Genetics Tuebingen Variant Classification Criteria Version 2. Collection method: clinical testing. Allele origin: germline. Affected: yes. Observed: 1 variant allele.